The following is an entry in ClinVar:

ClinVar aggregate classification (germline): Uncertain significance (1 of 4 stars; one submission).

Conditions:
Bethlem myopathy 1A. Also called: Bethlem Muscular Dystrophy; MYOPATHY, BENIGN CONGENITAL, WITH CONTRACTURES; Bethlem myopathy 1. Identifiers: Orphanet 610, MedGen CN029274, MONDO:0024530, OMIM 158810.

Allele frequency attached by ClinVar (database versions not stated): gnomAD exomes 0.00001; ExAC 0.00002; gnomAD 0.00003; 1000 Genomes Project 30x 0.00016; 1000 Genomes Project 0.00020.
gnomAD v4.1: 15 of 1,614,244 alleles (0.00093%); highest among the groups gnomAD compares: South Asian, 0.016%; no homozygotes.

Submission:

Labcorp Genetics (formerly Invitae), Labcorp
Classification: Uncertain significance for Bethlem myopathy 1A. Last evaluated: 2025-08-04. Review status: criteria provided, single submitter. Criteria: Invitae Variant Classification Sherloc (09022015). Collection method: clinical testing. Allele origin: germline.
Comment: This sequence change replaces threonine, which is neutral and polar, with isoleucine, which is neutral and non-polar, at codon 1719 of the COL6A3 protein (p.Thr1719Ile). This variant is present in population databases (rs557335500, gnomAD 0.006%). This variant has not been reported in the literature in individuals affected with COL6A3-related conditions. ClinVar contains an entry for this variant (Variation ID: 2191582). Invitae Evidence Modeling of protein sequence and biophysical properties (such as structural, functional, and spatial information, amino acid conservation, physicochemical variation, residue mobility, and thermodynamic stability) indicates that this missense variant is not expected to disrupt COL6A3 protein function with a negative predictive value of 80%. In summary, the available evidence is currently insufficient to determine the role of this variant in disease. Therefore, it has been classified as a Variant of Uncertain Significance.

NM_004369.4(COL6A3):c.5156C>T (p.Thr1719Ile)

Gene: COL6A3 (collagen type VI alpha 3 chain; minus strand). Cytogenetic location: 2q37.3.
Variant type: single nucleotide variant.
Coding change: c.5156C>T on transcript NM_004369.4 (MANE Select); coding-DNA position 5156, C replaced by T.
Protein change: p.Thr1719Ile; replaces threonine 1719 with isoleucine.
Molecular consequence: missense variant.
Genome position (GRCh38, 1-based): chr2:237,367,031, G>A on the plus strand (C>T on the coding strand, the complement: COL6A3 is on the minus strand). VCF-style: chr2-237367031-G-A. GRCh37 (hg19) VCF-style: chr2-238275674-G-A.
Other names: c.3335C>T, p.Thr1112Ile (NM_057166.5); c.4538C>T, p.Thr1513Ile (NM_057167.4); short protein forms T1719I, T1112I, T1513I.
Identifiers: ClinVar variation 2191582 (VCV002191582.4), dbSNP rs557335500, ClinGen allele CA2188730.
Genomic context (GRCh38, chr2:237,367,031, plus strand): 5'-AGGCGGCTGCCTGCCTCAGGCACAAAGTGGTTTACCCGCAGGTGCTCAAGGCCCACCTTA[G>A]TGTTGGCGTGTCTTCCCCCTTTGTAGACCACTTTGTTGATGGCGTCAATAATCTGCCTCT-3'
Protein context (NP_004360.2, residues 1709-1729): VVYKGGRHAN[Thr1719Ile]KVGLEHLRVN